The following is an entry in ClinVar:

NM_001281740.3(FHOD3):c.1913G>A (p.Arg638Gln)

Gene: FHOD3 (formin homology 2 domain containing 3; plus strand). Cytogenetic location: 18q12.2.
Variant type: single nucleotide variant.
Coding change: c.1913G>A on transcript NM_001281740.3 (MANE Select); coding-DNA position 1913, G replaced by A.
Protein change: p.Arg638Gln; replaces arginine 638 with glutamine.
Molecular consequence: missense variant.
Genome position (GRCh38, 1-based): chr18:36,681,513, G>A. VCF-style: chr18-36681513-G-A. GRCh37 (hg19) VCF-style: chr18-34261476-G-A.
Other names: c.1388G>A, p.Arg463Gln (NM_001281739.3, NM_025135.5); short protein forms R463Q, R638Q.
Identifiers: ClinVar variation 1698945 (VCV001698945.5), dbSNP rs780516974, ClinGen allele CA8941696.
Genomic context (GRCh38, chr18:36,681,513, plus strand): 5'-TTCTCACATCATCCTTCAGGCAGCACCAAGAGTCACTGGCAGCAGAGAGAGAGAGGCGGC[G>A]GCAGGAGAGAGAAGAAAGGTTGCAGAGAATAGAGCGGGAAGAAAGAAACAAATTCAGGTA-3'
Protein context (NP_001268669.1, residues 628-648): ESLAAERERR[Arg638Gln]QEREERLQRI

ClinVar aggregate classification (germline): Conflicting classifications of pathogenicity. Review status: criteria provided, conflicting classifications (1 of 4 stars). 3 submissions from 3 submitters: Uncertain significance (2); Likely benign (1). Last evaluated 2024-10-17.

Conditions:
Cardiomyopathy, familial hypertrophic, 28. Identifiers: MedGen C5543616, MONDO:0030317, OMIM 619402.

Allele frequency attached by ClinVar (database versions not stated): gnomAD 0.00004; gnomAD exomes 0.00005 and 0.00006; ExAC 0.00006; TOPMed 0.00006.

Submissions (3):

Blueprint Genetics
Classification: Likely benign. Last evaluated: 2024-10-17. Review status: criteria provided, single submitter. Criteria: ACMG Guidelines, 2015. Collection method: clinical testing. Allele origin: germline.

Clinical Genomics Laboratory, Washington University in St. Louis
Classification: Uncertain significance for Cardiomyopathy, familial hypertrophic, 28. Last evaluated: 2023-12-15. Review status: criteria provided, single submitter. Criteria: ACMG Guidelines, 2015. Collection method: clinical testing. Allele origin: germline.
Comment: The FHOD3 c.1913G>A (p.Arg638Gln) variant, to our knowledge, has not been reported in the medical literature. The highest population minor allele frequency in the population database genome aggregation database (v.2.1.1) is 0.02% in the East Asian population. Computational predictors suggest that the variant does not impact FHOD3 function. This variant lies within the coiled-coiled region (amino acids 622-655) where half of the disease-causing variants are localized (Ochoa JP et al., PMID: 30442288). Due to limited information, and based on ACMG/AMP guidelines for variant interpretation (Richards S et al., PMID: 25741868), the clinical significance of this variant is uncertain at this time.

Victorian Clinical Genetics Services, Murdoch Childrens Research Institute
Classification: Uncertain significance for Cardiomyopathy, familial hypertrophic, 28. Last evaluated: 2022-02-02. Review status: criteria provided, single submitter. Criteria: ACMG Guidelines, 2015. Collection method: clinical testing. Allele origin: germline. Inheritance: Autosomal dominant inheritance. Affected: yes.
Comment: Based on the classification scheme VCGS_Germline_v1.3.4, this variant is classified as VUS-3C. Following criteria are met: 0105 - The mechanism of disease for this gene is not clearly established. However, dominant negative has been suggested for a single missense variant (PMID: 24088304). (I) 0107 - This gene is associated with autosomal dominant disease. (I) 0112 - The condition associated with this gene has incomplete penetrance (PMID: 30442288). (I) 0200 - Variant is predicted to result in a missense amino acid change from arginine to glutamine. (I) 0251 - This variant is heterozygous. (I) 0302 - Variant is present in gnomAD (v2) <0.001 for a dominant condition (17 heterozygotes, 0 homozygotes). (SP) 0309 - An alternative amino acid change at the same position has been observed in gnomAD (v2) (120 heterozygotes, 0 homozygotes). (I) 0502 - Missense variant with conflicting in silico predictions and uninformative conservation. (I) 0602 - Variant is located in a hotspot region or cluster of pathogenic variants (PMID: 30442288). (I) 0709 - Another missense variant comparable to the one identified in this case has limited previous evidence for being benign. The alternative change to a tryptophan has been reported as likely benign in patients with HCM (PMID: 33586461). (SB) 0807 - This variant has no previous evidence of pathogenicity. (I) 0905 - No published segregation evidence has been identified for this variant. (I) 1007 - No published functional evidence has been identified for this variant. (I) 1208 - Inheritance information for this variant is not currently available in this individual. (I) Legend: (SP) - Supporting pathogenic, (I) - Information, (SB) - Supporting benign

Literature cited by the submitters: PubMed 24088304 (cited by Victorian Clinical Genetics Services, Murdoch Childrens Research Institute); PubMed 30442288 (cited by Victorian Clinical Genetics Services, Murdoch Childrens Research Institute); PubMed 33586461 (cited by Victorian Clinical Genetics Services, Murdoch Childrens Research Institute).